The following is an entry in ClinVar:

ClinVar aggregate classification (germline): Uncertain significance (1 of 4 stars; one submission).

Conditions:
Hereditary cancer-predisposing syndrome. Also called: Neoplastic Syndromes, Hereditary; Tumor predisposition; Hereditary neoplastic syndrome; Hereditary Cancer Syndrome. Identifiers: Orphanet 140162, MedGen C0027672, MeSH D009386, MONDO:0015356.

Allele frequency attached by ClinVar (database versions not stated): gnomAD exomes below 0.00001.
gnomAD v4.1: 1 of 1,614,048 alleles (0.000062%); highest among the groups gnomAD compares: Non-Finnish European, 0.000085%; no homozygotes.

Submission:

Ambry Genetics
Classification: Uncertain significance for Hereditary cancer-predisposing syndrome. Last evaluated: 2022-11-06. Review status: criteria provided, single submitter. Criteria: Ambry Variant Classification Scheme 2023. Collection method: clinical testing. Allele origin: germline.
Comment: The p.K65E variant (also known as c.193A>G), located in coding exon 3 of the EPCAM gene, results from an A to G substitution at nucleotide position 193. The lysine at codon 65 is replaced by glutamic acid, an amino acid with similar properties. This amino acid position is conserved. In addition, the in silico prediction for this alteration is inconclusive. Since supporting evidence is limited at this time, the clinical significance of this alteration remains unclear.

NM_002354.3(EPCAM):c.193A>G (p.Lys65Glu)

Gene: EPCAM (epithelial cell adhesion molecule; plus strand). Cytogenetic location: 2p21.
Variant type: single nucleotide variant.
Coding change: c.193A>G on transcript NM_002354.3 (MANE Select); coding-DNA position 193, A replaced by G.
Protein change: p.Lys65Glu; replaces lysine 65 with glutamic acid.
Molecular consequence: missense variant.
Genome position (GRCh38, 1-based): chr2:47,373,816, A>G. VCF-style: chr2-47373816-A-G. GRCh37 (hg19) VCF-style: chr2-47600955-A-G.
Other names: short protein forms K65E.
Identifiers: ClinVar variation 2452150 (VCV002452150.2), dbSNP rs767869354, ClinGen allele CA346722744.